The following is an entry in ClinVar:

ClinVar aggregate classification (germline): Uncertain significance. Review status: criteria provided, multiple submitters, no conflicts (2 of 4 stars). 2 submissions from 2 submitters: Uncertain significance (2). Last evaluated 2025-02-23.

Conditions:
Marfan syndrome (MFS). Also called: MARFAN SYNDROME, TYPE I; Marfan syndrome type 1; Marfan's syndrome; Marfan syndrome, classic; FBN1-Related Marfan Syndrome. Identifiers: Orphanet 284963, Orphanet 558, MedGen C0024796, MONDO:0007947, OMIM 154700.
Familial thoracic aortic aneurysm and aortic dissection (TAAD). Also called: Thoracic aortic aneurysms and dissections. Identifiers: Orphanet 91387, MedGen C4707243, MONDO:0019625.

Submissions (2):

GeneDx
Classification: Uncertain significance. Last evaluated: 2025-02-23. Review status: criteria provided, single submitter. Criteria: GeneDx Variant Classification Process June 2021. Collection method: clinical testing. Allele origin: germline. Affected: yes.
Comment: Not observed at significant frequency in large population cohorts (gnomAD); In silico analysis supports that this missense variant has a deleterious effect on protein structure/function; Has not been previously published as pathogenic or benign to our knowledge; Does not affect a cysteine or calcium-binding residue within an EGF-like domain or a TGF-binding protein domain of the FBN1 gene; cysteine substitutions in the EGF-like domains represent the majority of pathogenic missense changes associated with FBN1-related disorders (PMID: 12938084); This variant is associated with the following publications: (PMID: 12938084)

Labcorp Genetics (formerly Invitae), Labcorp
Classification: Uncertain significance for Marfan syndrome; Familial thoracic aortic aneurysm and aortic dissection. Last evaluated: 2023-09-19. Review status: criteria provided, single submitter. Criteria: Invitae Variant Classification Sherloc (09022015). Collection method: clinical testing. Allele origin: germline.
Comment: Advanced modeling of protein sequence and biophysical properties (such as structural, functional, and spatial information, amino acid conservation, physicochemical variation, residue mobility, and thermodynamic stability) performed at Invitae indicates that this missense variant is expected to disrupt FBN1 protein function. In summary, the available evidence is currently insufficient to determine the role of this variant in disease. Therefore, it has been classified as a Variant of Uncertain Significance. This variant has not been reported in the literature in individuals affected with FBN1-related conditions. This variant is not present in population databases (gnomAD no frequency). This sequence change replaces threonine, which is neutral and polar, with proline, which is neutral and non-polar, at codon 2028 of the FBN1 protein (p.Thr2028Pro).

NM_000138.5(FBN1):c.6082A>C (p.Thr2028Pro)

Gene: FBN1 (fibrillin 1; minus strand). Cytogenetic location: 15q21.1.
Variant type: single nucleotide variant.
Coding change: c.6082A>C on transcript NM_000138.5 (MANE Select); coding-DNA position 6082, A replaced by C.
Protein change: p.Thr2028Pro; replaces threonine 2028 with proline.
Molecular consequence: missense variant.
Genome position (GRCh38, 1-based): chr15:48,441,802, T>G on the plus strand (A>C on the coding strand, the complement: FBN1 is on the minus strand). VCF-style: chr15-48441802-T-G. GRCh37 (hg19) VCF-style: chr15-48733999-T-G.
Other names: c.6082A>C, p.Thr2028Pro (NM_001406716.1); short protein forms T2028P.
Identifiers: ClinVar variation 2952078 (VCV002952078.4), dbSNP rs2505446219, ClinGen allele CA392338430.